The following is an entry in ClinVar:

ClinVar aggregate classification (germline): Likely pathogenic (1 of 4 stars; one submission).

Conditions:
Primary ciliary dyskinesia. Also called: Ciliary dyskinesia. Identifiers: Orphanet 244, MedGen C0008780, MONDO:0016575, HP:0012265.

Submission:

Natera, Inc.
Classification: Likely pathogenic for Primary ciliary dyskinesia. Last evaluated: 2025-02-19. Review status: criteria provided, single submitter. Criteria: Natera Variant Classification Schema (03/2026). Collection method: clinical testing. Allele origin: germline.
Comment: The c.758_760delinsAA variant in DNAI1 is a frameshift variant predicted to shift the reading frame beginning at codon 253 and leads to a stop codon 11 codons downstream. This variant is expected to result in nonsense mediated decay, truncation, or a dysfunctional protein product. This variant is rare in the general population with a frequency below the threshold expected for the associated phenotype(s). Given the available evidence, this variant is classified as Likely Pathogenic.

NM_012144.4(DNAI1):c.758_760delinsAA (p.Pro253fs)

Gene: DNAI1 (dynein axonemal intermediate chain 1; plus strand). Cytogenetic location: 9p13.3.
Variant type: Indel.
Coding change: c.758_760delinsAA on transcript NM_012144.4 (MANE Select); coding-DNA positions 758 to 760, CAG replaced by AA.
Protein change: p.Pro253fs; shifts the reading frame from proline 253.
Molecular consequence: frameshift variant.
Genome position (GRCh38, 1-based): chr9:34,493,270-34,493,272, CAG replaced by AA. VCF-style: chr9-34493270-CAG-AA. GRCh37 (hg19) VCF-style: chr9-34493268-CAG-AA.
Other names: c.770_772delinsAA, p.Pro257fs (NM_001281428.2); short protein forms P253fs, P257fs.
Identifiers: ClinVar variation 4815552 (VCV004815552.1).